The following is an entry in ClinVar:

NM_001429.4(EP300):c.1623-10C>G

Gene: EP300 (E1A binding protein p300; plus strand). Cytogenetic location: 22q13.2.
Variant type: single nucleotide variant.
Coding change: c.1623-10C>G on transcript NM_001429.4 (MANE Select); 10 bases into the intron before coding-DNA position 1623, C replaced by G.
Molecular consequence: intron variant.
Genome position (GRCh38, 1-based): chr22:41,137,643, C>G. VCF-style: chr22-41137643-C-G. GRCh37 (hg19) VCF-style: chr22-41533647-C-G.
Other names: c.1623-10C>G (NM_001362843.2).
Identifiers: ClinVar variation 3354452 (VCV003354452.1).

ClinVar aggregate classification (germline): Likely benign (0 of 4 stars; one submission).

Conditions:
EP300-related disorder. Also called: EP300-related disorders; EP300-related condition.

Submission:

PreventionGenetics, part of Exact Sciences
Classification: Likely benign for EP300-related condition. Last evaluated: 2022-09-02. Review status: no assertion criteria provided. Collection method: clinical testing. Allele origin: germline.
Comment: This variant is classified as likely benign based on ACMG/AMP sequence variant interpretation guidelines (Richards et al. 2015 PMID: 25741868, with internal and published modifications).